The following is an entry in ClinVar:

ClinVar aggregate classification (germline): Uncertain significance (1 of 4 stars; one submission).

Conditions:
Inborn genetic diseases. Identifiers: MedGen C0950123, MeSH D030342.

Submission:

Ambry Genetics
Classification: Uncertain significance for Inborn genetic diseases. Last evaluated: 2025-11-26. Review status: criteria provided, single submitter. Criteria: Ambry Variant Classification Scheme 2023. Collection method: clinical testing. Allele origin: germline.
Comment: The p.V369G variant (also known as c.1106T>G), located in coding exon 9 of the KDM1A gene, results from a T to G substitution at nucleotide position 1106. The valine at codon 369 is replaced by glycine, an amino acid with dissimilar properties. This amino acid position is conserved. In addition, the in silico prediction for this alteration is inconclusive. Based on the available evidence, the clinical significance of this variant remains unclear.

NM_001009999.3(KDM1A):c.1106T>G (p.Val369Gly)

Gene: KDM1A (lysine demethylase 1A; plus strand). Cytogenetic location: 1p36.12.
Variant type: single nucleotide variant.
Coding change: c.1106T>G on transcript NM_001009999.3 (MANE Select); coding-DNA position 1106, T replaced by G.
Protein change: p.Val369Gly; replaces valine 369 with glycine.
Molecular consequence: missense variant.
Genome position (GRCh38, 1-based): chr1:23,059,106, T>G. VCF-style: chr1-23059106-T-G. GRCh37 (hg19) VCF-style: chr1-23385599-T-G.
Other names: c.1046T>G, p.Val349Gly (NM_001363654.2, NM_001410763.1, NM_015013.4); c.1106T>G, p.Val369Gly (NM_001410762.1); short protein forms V349G, V369G.
Identifiers: ClinVar variation 4622729 (VCV004622729.1).